The following is an entry in ClinVar:

NM_033004.4(NLRP1):c.566C>T (p.Pro189Leu)

Gene: NLRP1 (NLR family pyrin domain containing 1; minus strand). Cytogenetic location: 17p13.2.
Variant type: single nucleotide variant.
Coding change: c.566C>T on transcript NM_033004.4 (MANE Select); coding-DNA position 566, C replaced by T.
Protein change: p.Pro189Leu; replaces proline 189 with leucine.
Molecular consequence: missense variant.
Genome position (GRCh38, 1-based): chr17:5,581,945, G>A on the plus strand (C>T on the coding strand, the complement: NLRP1 is on the minus strand). VCF-style: chr17-5581945-G-A. GRCh37 (hg19) VCF-style: chr17-5485265-G-A.
Other names: c.566C>T, p.Pro189Leu (NM_001033053.3, NM_014922.5, NM_033006.4 and 1 more transcripts); short protein forms P189L.
Identifiers: ClinVar variation 3678589 (VCV003678589.2).

ClinVar aggregate classification (germline): Uncertain significance (1 of 4 stars; one submission).

gnomAD v4.1: 2 of 1,613,866 alleles (0.00012%); highest among the groups gnomAD compares: Non-Finnish European, 0.000085%; no homozygotes.

Submission:

Labcorp Genetics (formerly Invitae), Labcorp
Classification: Uncertain significance. Last evaluated: 2024-02-07. Review status: criteria provided, single submitter. Criteria: Invitae Variant Classification Sherloc (09022015). Collection method: clinical testing. Allele origin: germline.
Comment: This sequence change replaces proline, which is neutral and non-polar, with leucine, which is neutral and non-polar, at codon 189 of the NLRP1 protein (p.Pro189Leu). This variant is present in population databases (no rsID available, gnomAD 0.01%). This variant has not been reported in the literature in individuals affected with NLRP1-related conditions. Algorithms developed to predict the effect of missense changes on protein structure and function output the following: SIFT: "Not Available"; PolyPhen-2: "Benign"; Align-GVGD: "Not Available". The leucine amino acid residue is found in multiple mammalian species, which suggests that this missense change does not adversely affect protein function. In summary, the available evidence is currently insufficient to determine the role of this variant in disease. Therefore, it has been classified as a Variant of Uncertain Significance.